The following is an entry in ClinVar:

NM_001845.6(COL4A1):c.2977G>A (p.Gly993Ser)

Gene: COL4A1 (collagen type IV alpha 1 chain; minus strand). Cytogenetic location: 13q34.
Variant type: single nucleotide variant.
Coding change: c.2977G>A on transcript NM_001845.6 (MANE Select); coding-DNA position 2977, G replaced by A.
Protein change: p.Gly993Ser; replaces glycine 993 with serine.
Molecular consequence: missense variant.
Genome position (GRCh38, 1-based): chr13:110,176,505, C>T on the plus strand (G>A on the coding strand, the complement: COL4A1 is on the minus strand). VCF-style: chr13-110176505-C-T. GRCh37 (hg19) VCF-style: chr13-110828852-C-T.
Other names: short protein forms G993S.
Identifiers: ClinVar variation 1334564 (VCV001334564.6), dbSNP rs2139162416, ClinGen allele CA388665988.
Genomic context (GRCh38, chr13:110,176,505, plus strand): 5'-CAGATCCTTTTGGTCCCGGAAGTCCTGGAGCACCTGGGGTTCCACTTATACCTGGATCAC[C>T]TTTAGGTCCTAGAACCATAAAGAAAGCAGTCTGACAGGTTGACATCTACAGAAAGAGCTG-3'
Protein context (NP_001836.3, residues 983-1003): AGQPGQPGPK[Gly993Ser]DPGISGTPGA

ClinVar aggregate classification (germline): Likely pathogenic (1 of 4 stars; one submission).

Conditions:
Brain small vessel disease 1 with or without ocular anomalies (BSVD1). Also called: PORENCEPHALY, TYPE 1, AUTOSOMAL DOMINANT; GOULD SYNDROME 1; Brain small vessel disease with or without ocular anomalies; BRAIN SMALL VESSEL DISEASE WITH HEMORRHAGE. Identifiers: Orphanet 2940, Orphanet 36383, Orphanet 99810, MedGen C4755307, MONDO:0008289, OMIM 175780.

Submission:

Greenwood Genetic Center Diagnostic Laboratories, Greenwood Genetic Center
Classification: Likely pathogenic for Brain small vessel disease 1 with or without ocular anomalies. Last evaluated: 2021-05-20. Review status: criteria provided, single submitter. Criteria: ACMG Guidelines, 2015. Collection method: clinical testing. Allele origin: germline. Affected: yes.
Comment: PP2, PP3, PM1, PM2